The following is an entry in ClinVar:

NM_001291415.2(KDM6A):c.3773_3776dup (p.Tyr1260fs)

Gene: KDM6A (lysine demethylase 6A; plus strand). Cytogenetic location: Xp11.3.
Variant type: Duplication.
Coding change: c.3773_3776dup on transcript NM_001291415.2 (MANE Select); coding-DNA positions 3773 to 3776, 4 bases duplicated (CAGT; older notation c.3773_3776dupCAGT).
Protein change: p.Tyr1260fs; shifts the reading frame from tyrosine 1260.
Molecular consequence: frameshift variant. On other transcripts: non-coding transcript variant (1).
Genome position (GRCh38, 1-based): chrX:45,089,811-45,089,814, CAGT duplicated. VCF-style (leftmost placement, unchanged base first): chrX-45089810-C-CCAGT. GRCh37 (hg19) VCF-style: chrX-44949055-C-CCAGT.
Other names: c.3638_3641dup, p.Tyr1215fs (NM_001291416.2); c.3482_3485dup, p.Tyr1163fs (NM_001291417.2); c.3380_3383dup, p.Tyr1129fs (NM_001291418.2); c.2729_2732dup, p.Tyr912fs (NM_001291421.2); c.3515_3518dup, p.Tyr1174fs (NM_001410742.1); c.3773_3776dup, p.Tyr1260Serfs (NM_001419809.1); c.3671_3674dup, p.Tyr1226Serfs (NM_001419810.1, NM_001419813.1); c.3638_3641dup, p.Tyr1215Serfs (NM_001419811.1); and 4 more; short protein forms Y1129fs, Y1163fs, Y1174fs, Y1208fs, Y1215fs, Y1260fs, Y912fs.
Identifiers: ClinVar variation 2500339 (VCV002500339.1), dbSNP rs2523330593, ClinGen allele CA2580101003.
Genomic context (GRCh38, chrX:45,089,810, plus strand): 5'-TTGAATTTCCTAATGGGTTCTTGGTGGCCCAATCTTGAAGATCTTTATGAAGCAAATGTT[C>CCAGT]CAGTGTATAGGTTTATTCAGCGACCTGGAGATTTGGTCTGGATAAATGCAGGCACTGTTC-3'

ClinVar aggregate classification (germline): Pathogenic (1 of 4 stars; one submission).

Conditions:
Kabuki syndrome 2 (KABUK2). Also called: KDM6A-Related Kabuki Syndrome. Identifiers: Orphanet 2322, MedGen C3275495, MONDO:0010465, OMIM 300867.

Submission:

Institute of Human Genetics, University of Leipzig Medical Center
Classification: Pathogenic for Kabuki syndrome 2. Last evaluated: 2023-03-01. Review status: criteria provided, single submitter. Criteria: ACMG Guidelines, 2015. Collection method: clinical testing. Allele origin: de novo. Affected: yes.
Comment: This variant was identified as de novo in a mosaic constellation (56% in blood). Criteria applied: PVS1, PS2_MOD, PM2_SUP